The following is an entry in ClinVar:

NM_001211.6(BUB1B):c.897dup (p.Met300fs)

Gene: BUB1B (BUB1 mitotic checkpoint serine/threonine kinase B; plus strand). Cytogenetic location: 15q15.1.
Variant type: Duplication.
Coding change: c.897dup on transcript NM_001211.6 (MANE Select); coding-DNA position 897, one base duplicated (C; older notation c.897dupC).
Protein change: p.Met300fs; shifts the reading frame from methionine 300.
Molecular consequence: frameshift variant.
Genome position (GRCh38, 1-based): chr15:40,185,310, C duplicated; the last of 6 consecutive C bases (chr15:40,185,305-40,185,310); duplicating any one gives the same sequence. VCF-style (leftmost placement, unchanged base first): chr15-40185304-A-AC. GRCh37 (hg19) VCF-style: chr15-40477505-A-AC.
Other names: short protein forms M300fs.
Identifiers: ClinVar variation 2756659 (VCV002756659.3), dbSNP rs747327884, ClinGen allele CA7475588.
Genomic context (GRCh38, chr15:40,185,304, plus strand): 5'-AAATGCTGATGAGGCTTCTACAGCAGAGTTGTCTAAGCCTACAGTCCAGCCATGGATAGC[A>AC]CCCCCCATGCCCAGGGCCAAAGAGAATGAGCTGCAAGCAGGCCCTTGGAACACAGGCAGG-3'

ClinVar aggregate classification (germline): Pathogenic (1 of 4 stars; one submission).

Conditions:
Mosaic variegated aneuploidy syndrome 1 (MVA1). Also called: Warburton-Anyane-Yeboa syndrome. Identifiers: Orphanet 1052, MedGen C1850343, MONDO:0009759, OMIM 257300.

Submission:

Labcorp Genetics (formerly Invitae), Labcorp
Classification: Pathogenic for Mosaic variegated aneuploidy syndrome 1. Last evaluated: 2023-05-19. Review status: criteria provided, single submitter. Criteria: Invitae Variant Classification Sherloc (09022015). Collection method: clinical testing. Allele origin: germline.
Comment: For these reasons, this variant has been classified as Pathogenic. This sequence change creates a premature translational stop signal (p.Met300Hisfs*8) in the BUB1B gene. It is expected to result in an absent or disrupted protein product. Loss-of-function variants in BUB1B are known to be pathogenic (PMID: 15475955, 21190457). This variant is present in population databases (rs747327884, gnomAD 0.0009%). This variant has not been reported in the literature in individuals affected with BUB1B-related conditions.

Literature cited by the submitters: PubMed 15475955; PubMed 21190457.